The following is an entry in ClinVar:

ClinVar aggregate classification (germline): Uncertain significance (1 of 4 stars; one submission).

Conditions:
Autoimmune lymphoproliferative syndrome type 1. Also called: AUTOIMMUNE LYMPHOPROLIFERATIVE SYNDROME, TYPE I, AUTOSOMAL DOMINANT. Identifiers: Orphanet 3261, MedGen C2717884, MONDO:0011158, OMIM 601859.

Allele frequency attached by ClinVar (database versions not stated): ExAC 0.00001; TOPMed 0.00005; gnomAD 0.00008 and 0.00007; gnomAD exomes below 0.00001; ESP Exome Variant Server 0.00008.
gnomAD v4.1: 13 of 1,612,662 alleles (0.00081%); highest among the groups gnomAD compares: African/African-American, 0.016%; no homozygotes.

Submission:

Labcorp Genetics (formerly Invitae), Labcorp
Classification: Uncertain significance for Autoimmune lymphoproliferative syndrome. Last evaluated: 2025-11-17. Review status: criteria provided, single submitter. Criteria: Invitae Variant Classification Sherloc (09022015). Collection method: clinical testing. Allele origin: germline.
Comment: This sequence change replaces aspartic acid, which is acidic and polar, with asparagine, which is neutral and polar, at codon 321 of the FAS protein (p.Asp321Asn). This variant is present in population databases (rs137898188, gnomAD 0.05%). This variant has not been reported in the literature in individuals affected with FAS-related conditions. ClinVar contains an entry for this variant (Variation ID: 578102). An algorithm developed to predict the effect of missense changes on protein structure and function outputs the following: PolyPhen-2: "Benign". The asparagine amino acid residue is found in multiple mammalian species, which suggests that this missense change does not adversely affect protein function. In summary, the available evidence is currently insufficient to determine the role of this variant in disease. Therefore, it has been classified as a Variant of Uncertain Significance.

NM_000043.6(FAS):c.961G>A (p.Asp321Asn)

Gene: FAS (Fas cell surface death receptor; plus strand). Cytogenetic location: 10q23.31.
Variant type: single nucleotide variant.
Coding change: c.961G>A on transcript NM_000043.6 (MANE Select); coding-DNA position 961, G replaced by A.
Protein change: p.Asp321Asn; replaces aspartic acid 321 with asparagine.
Molecular consequence: missense variant. On other transcripts: 3 prime UTR variant (2), non-coding transcript variant (7).
Genome position (GRCh38, 1-based): chr10:89,014,403, G>A. VCF-style: chr10-89014403-G-A. GRCh37 (hg19) VCF-style: chr10-90774160-G-A.
Other names: c.*284G>A (NM_001320619.2); c.898G>A, p.Asp300Asn (NM_152871.4); c.*273G>A (NM_152872.4); short protein forms D321N, D300N.
Identifiers: ClinVar variation 578102 (VCV000578102.5), dbSNP rs137898188, ClinGen allele CA5593243.